The following is an entry in ClinVar:

ClinVar aggregate classification (germline): Pathogenic. Review status: criteria provided, multiple submitters, no conflicts (2 of 4 stars). 2 submissions from 2 submitters: Pathogenic (2). Last evaluated 2024-02-22.

Conditions:
PKD1-related disorder. Also called: PKD1-related condition.

Submissions (2):

Blueprint Genetics
Classification: Pathogenic for PKD1-related disorders. Last evaluated: 2024-02-22. Review status: criteria provided, single submitter. Criteria: ACMG Guidelines, 2015. Collection method: clinical testing. Allele origin: germline. Affected: yes. Observed: 3 variant alleles.

GeneDx
Classification: Pathogenic. Last evaluated: 2023-08-02. Review status: criteria provided, single submitter. Criteria: GeneDx Variant Classification Process June 2021. Collection method: clinical testing. Allele origin: germline. Affected: yes.
Comment: Nonsense variant predicted to result in protein truncation or nonsense mediated decay in a gene for which loss-of-function is a known mechanism of disease; Not observed at significant frequency in large population cohorts (gnomAD); Has not been previously published as pathogenic or benign to our knowledge

NM_001009944.3(PKD1):c.11385G>A (p.Trp3795Ter)

Genes: PKD1 (polycystin 1, transient receptor potential channel interacting; minus strand), PKD1-AS1 (PKD1 antisense RNA 1; plus strand). Cytogenetic location: 16p13.3.
Variant type: single nucleotide variant.
Coding change: c.11385G>A on transcript NM_001009944.3 (MANE Select); coding-DNA position 11385, G replaced by A.
Protein change: p.Trp3795Ter; replaces tryptophan 3795 with a stop codon.
Molecular consequence: nonsense.
Genome position (GRCh38, 1-based): chr16:2,092,073, C>T on the plus strand (G>A on the coding strand, the complement: PKD1 is on the minus strand). VCF-style: chr16-2092073-C-T. GRCh37 (hg19) VCF-style: chr16-2142074-C-T.
Other names: c.11382G>A, p.Trp3794Ter (NM_000296.4); short protein forms W3794*, W3795*.
Identifiers: ClinVar variation 2574723 (VCV002574723.2), dbSNP rs2544624559, ClinGen allele CA394333917.